The following is an entry in ClinVar:

NM_001130438.3(SPTAN1):c.7353_7354delinsAA (p.Pro2452Thr)

Gene: SPTAN1 (spectrin alpha, non-erythrocytic 1; plus strand). Cytogenetic location: 9q34.11.
Variant type: Indel.
Coding change: c.7353_7354delinsAA on transcript NM_001130438.3 (MANE Select); coding-DNA positions 7353 to 7354, GC replaced by AA.
Protein change: p.Pro2452Thr; replaces proline 2452 with threonine.
Molecular consequence: missense variant.
Genome position (GRCh38, 1-based): chr9:128,633,253-128,633,254, GC replaced by AA. VCF-style: chr9-128633253-GC-AA. GRCh37 (hg19) VCF-style: chr9-131395532-GC-AA.
Other names: c.7278_7279delinsAA, p.Pro2427Thr (NM_001195532.2); c.7416_7417delinsAA, p.Pro2473Thr (NM_001363759.2); c.7293_7294delinsAA, p.Pro2432Thr (NM_001363765.2, NM_001375314.2); c.7440_7441delinsAA, p.Pro2481Thr (NM_001375310.1); c.7353_7354delinsAA, p.Pro2452Thr (NM_001375311.2); c.7389_7390delinsAA, p.Pro2464Thr (NM_001375312.2); c.7335_7336delinsAA, p.Pro2446Thr (NM_001375313.1); c.7452_7453delinsAA, p.Pro2485Thr (NM_001375318.1); and 1 more; short protein forms P2432T, P2427T, P2452T, P2485T, P2447T, P2464T, P2473T, P2481T.
Identifiers: ClinVar variation 2097566 (VCV002097566.4), dbSNP rs2542410023, ClinGen allele CA2580079774.
Genomic context (GRCh38, chr9:128,633,253, plus strand): 5'-ATCTCTTACCCCACAGAACCTGACCCGGGAACAAGCCGACTACTGCGTCTCCCACATGAA[GC>AA]CCTACGTGGACGGCAAGGGCCGCGAGCTCCCCACCGCGTTCGACTACGTGGAGTTCACCC-3'
Protein context (NP_001123910.1, residues 2442-2462): QADYCVSHMK[Pro2452Thr]YVDGKGRELP

ClinVar aggregate classification (germline): Uncertain significance (1 of 4 stars; one submission).

Conditions:
Early-infantile DEE. Also called: Early infantile epileptic encephalopathy; Early infantile epileptic encephalopathy with suppression bursts; Ohtahara syndrome. Identifiers: Orphanet 1934, MedGen C0393706, MONDO:0800491.

Submission:

Labcorp Genetics (formerly Invitae), Labcorp
Classification: Uncertain significance for Early-infantile DEE. Last evaluated: 2022-02-14. Review status: criteria provided, single submitter. Criteria: Invitae Variant Classification Sherloc (09022015). Collection method: clinical testing. Allele origin: germline.
Comment: In summary, the available evidence is currently insufficient to determine the role of this variant in disease. Therefore, it has been classified as a Variant of Uncertain Significance. Experimental studies and prediction algorithms are not available or were not evaluated, and the functional significance of this variant is currently unknown. This variant has not been reported in the literature in individuals affected with SPTAN1-related conditions. Information on the frequency of this variant in the gnomAD database is not available, as this variant may be reported differently in the database. This sequence change replaces proline, which is neutral and non-polar, with threonine, which is neutral and polar, at codon 2452 of the SPTAN1 protein (p.Pro2452Thr).